The following is an entry in ClinVar:

ClinVar aggregate classification (germline): Conflicting classifications of pathogenicity. Review status: criteria provided, conflicting classifications (1 of 4 stars). 2 submissions from 2 submitters: Uncertain significance (1); Likely benign (1). Last evaluated 2025-09-20.

Conditions:
Hereditary cancer-predisposing syndrome. Also called: Neoplastic Syndromes, Hereditary; Tumor predisposition; Hereditary Cancer Syndrome; Hereditary neoplastic syndrome. Identifiers: Orphanet 140162, MedGen C0027672, MeSH D009386, MONDO:0015356.

Submissions (2):

Ambry Genetics
Classification: Likely benign for Hereditary cancer-predisposing syndrome. Last evaluated: 2025-09-20. Review status: criteria provided, single submitter. Criteria: Ambry Variant Classification Scheme 2023. Collection method: clinical testing. Allele origin: germline.

Color Diagnostics, LLC DBA Color Health
Classification: Uncertain significance for Hereditary cancer-predisposing syndrome. Last evaluated: 2025-07-25. Review status: criteria provided, single submitter. Criteria: ACMG Guidelines, 2015. Collection method: clinical testing. Allele origin: germline.
Comment: This missense variant replaces isoleucine with methionine at codon 14 of the MUTYH protein. Computational prediction suggests that this variant may not impact protein structure and function. To our knowledge, functional studies have not been reported for this variant. This variant has not been reported in individuals affected with MUTYH-related disorders in the literature. This variant has not been identified in the general population by the Genome Aggregation Database (gnomAD). The available evidence is insufficient to determine the role of this variant in disease conclusively. Therefore, this variant is classified as a Variant of Uncertain Significance.

NM_001128425.2(MUTYH):c.42C>G (p.Ile14Met)

Gene: MUTYH (mutY DNA glycosylase; minus strand). Cytogenetic location: 1p34.1.
Variant type: single nucleotide variant.
Coding change: c.42C>G on transcript NM_001128425.2 (MANE Plus Clinical); coding-DNA position 42, C replaced by G.
Protein change: p.Ile14Met; replaces isoleucine 14 with methionine.
Molecular consequence: missense variant. On other transcripts: 5 prime UTR variant (26), non-coding transcript variant (7).
Genome position (GRCh38, 1-based): chr1:45,334,506, G>C on the plus strand (C>G on the coding strand, the complement: MUTYH is on the minus strand). VCF-style: chr1-45334506-G-C. GRCh37 (hg19) VCF-style: chr1-45800178-G-C.
Other names: c.-1C>G (NM_001048171.2, NM_001048172.2, NM_001048173.2 and 16 more transcripts); c.42C>G, p.Ile14Met (NM_001293190.2, NM_001407069.1, NM_001407073.1 and 1 more transcripts); c.-213C>G (NM_001293192.2, NM_001293196.2, NM_001407091.1); c.-272C>G (NM_001350650.2); c.-208C>G (NM_001350651.2, NM_001407082.1); c.-157C>G (NM_001407075.1); c.18C>G, p.Ile6Met (NM_001407087.1); short protein forms I14M, I6M.
Identifiers: ClinVar variation 142064 (VCV000142064.5), dbSNP rs202240122, ClinGen allele CA013551.
Genomic context (GRCh38, chr1:45,334,506, plus strand): 5'-TTCCTGGCTGGCTGCCTGCTTCCTGTGACCACTTCCCACGGCTGCTCGTGGCTTCCTCAT[G>C]ATGGCCTGAAACAAAAAGACCCAGCCAAAGCAGTCAGTCACAATGAGGCCAAATTTTGAG-3'
Protein context (NP_001121897.1, residues 4-24): LVSRLSRLWA[Ile14Met]MRKPRAAVGS